The following is an entry in ClinVar:

ClinVar aggregate classification (germline): Uncertain significance (1 of 4 stars; one submission).

Conditions:
Long QT syndrome (LQTS). Identifiers: MedGen C0023976, MeSH D008133, MONDO:0002442. Disease mechanism: loss of function. Inheritance: Various modes of inheritance.

Submission:

All of Us Research Program, National Institutes of Health
Classification: Uncertain significance for Long QT syndrome. Last evaluated: 2023-12-18. Review status: criteria provided, single submitter. Criteria: ACMG Guidelines, 2015. Collection method: clinical testing. Allele origin: germline. Inheritance: Autosomal dominant inheritance. Observed: 1 variant allele, 1 heterozygote.
Comment: This missense variant replaces proline with leucine at codon 961 of the KCNH2 protein. Computational prediction suggests that this variant may not impact protein structure and function (internally defined REVEL score threshold <= 0.5, PMID: 27666373). To our knowledge, functional studies have not been reported for this variant. This variant has not been reported in individuals affected with KCNH2-related disorders in the literature. This variant has not been identified in the general population by the Genome Aggregation Database (gnomAD). The available evidence is insufficient to determine the role of this variant in disease conclusively. Therefore, this variant is classified as a Variant of Uncertain Significance.

This study involves interpretation of variants in research participants for the purpose of population health screening. Participant phenotype was not available at the time of variant classification. Additional details can be found in publication PMID: 35346344, PMCID: PMC8962531

NM_000238.4(KCNH2):c.2882C>T (p.Pro961Leu)

Gene: KCNH2 (potassium voltage-gated channel subfamily H member 2; minus strand). Cytogenetic location: 7q36.1.
Variant type: single nucleotide variant.
Coding change: c.2882C>T on transcript NM_000238.4 (MANE Select); coding-DNA position 2882, C replaced by T.
Protein change: p.Pro961Leu; replaces proline 961 with leucine.
Molecular consequence: missense variant. On other transcripts: non-coding transcript variant (2).
Genome position (GRCh38, 1-based): chr7:150,947,689, G>A on the plus strand (C>T on the coding strand, the complement: KCNH2 is on the minus strand). VCF-style: chr7-150947689-G-A. GRCh37 (hg19) VCF-style: chr7-150644777-G-A.
Other names: c.2594C>T, p.Pro865Leu (NM_001406753.1); c.1862C>T, p.Pro621Leu (NM_172057.3); short protein forms P621L, P865L, P961L.
Identifiers: ClinVar variation 3075071 (VCV003075071.1), dbSNP rs2486007053, ClinGen allele CA369853204.